The following is an entry in ClinVar:

NM_181303.2(NLGN3):c.2206C>T (p.Arg736Trp)

Gene: NLGN3 (neuroligin 3; plus strand). Cytogenetic location: Xq13.1.
Variant type: single nucleotide variant.
Coding change: c.2206C>T on transcript NM_181303.2 (MANE Select); coding-DNA position 2206, C replaced by T.
Protein change: p.Arg736Trp; replaces arginine 736 with tryptophan.
Molecular consequence: missense variant.
Genome position (GRCh38, 1-based): chrX:71,169,756, C>T. VCF-style: chrX-71169756-C-T. GRCh37 (hg19) VCF-style: chrX-70389606-C-T.
Other names: c.2086C>T, p.Arg696Trp (NM_001166660.2); c.1795C>T, p.Arg599Trp (NM_001321276.2); c.2146C>T, p.Arg716Trp (NM_018977.4); short protein forms R599W, R696W, R716W, R736W.
Identifiers: ClinVar variation 1308758 (VCV001308758.2), dbSNP rs755217779, ClinGen allele CA10445208.

ClinVar aggregate classification (germline): Uncertain significance (1 of 4 stars; one submission).

Allele frequency attached by ClinVar (database versions not stated): gnomAD 0.00001; TOPMed 0.00001.
gnomAD v4.1: 6 of 1,210,054 alleles (0.0005%); highest among the groups gnomAD compares: South Asian, 0.0035%; no homozygotes.

Submission:

GeneDx
Classification: Uncertain significance. Last evaluated: 2019-10-02. Review status: criteria provided, single submitter. Criteria: GeneDx Variant Classification Process June 2021. Collection method: clinical testing. Allele origin: germline. Affected: yes.
Comment: In silico analysis, which includes protein predictors and evolutionary conservation, supports a deleterious effect; Has not been previously published as pathogenic or benign to our knowledge